The following is an entry in ClinVar:

ClinVar aggregate classification (germline): Likely pathogenic (1 of 4 stars; one submission).

Conditions:
Hereditary cancer-predisposing syndrome. Also called: Tumor predisposition; Neoplastic Syndromes, Hereditary; Hereditary neoplastic syndrome; Hereditary Cancer Syndrome. Identifiers: Orphanet 140162, MedGen C0027672, MeSH D009386, MONDO:0015356.

Submission:

Ambry Genetics
Classification: Likely pathogenic for Hereditary cancer-predisposing syndrome. Last evaluated: 2024-11-18. Review status: criteria provided, single submitter. Criteria: Ambry Variant Classification Scheme 2023. Collection method: clinical testing. Allele origin: germline.
Comment: The c.770+1G>C intronic variant results from a G to C substitution one nucleotide after coding exon 6 of the SDHA gene. This variant is considered to be rare based on population cohorts in the Genome Aggregation Database (gnomAD). This nucleotide position is highly conserved in available vertebrate species. In silico splice site analysis predicts that this alteration will weaken the native splice donor site and will result in the creation or strengthening of a novel splice donor site. Alterations that disrupt the canonical splice site are expected to cause aberrant splicing, resulting in an abnormal protein or a transcript that is subject to nonsense-mediated mRNA decay. As such, this alteration is classified as likely pathogenic.

NM_004168.4(SDHA):c.770+1G>C

Gene: SDHA (succinate dehydrogenase complex flavoprotein subunit A; plus strand). Cytogenetic location: 5p15.33.
Variant type: single nucleotide variant.
Coding change: c.770+1G>C on transcript NM_004168.4 (MANE Select); the canonical splice donor site of the intron after coding-DNA position 770, G replaced by C.
Molecular consequence: splice donor variant.
Genome position (GRCh38, 1-based): chr5:228,334, G>C. VCF-style: chr5-228334-G-C. GRCh37 (hg19) VCF-style: chr5-228449-G-C.
Other names: c.770+1G>C (NM_001330758.2); c.626+1G>C (NM_001294332.2).
Identifiers: ClinVar variation 3438712 (VCV003438712.1).
Genomic context (GRCh38, chr5:228,334, plus strand): 5'-GTGCATAGAGGACGGGTCCATCCATCGCATAAGAGCAAAGAACACTGTTGTTGCCACAGG[G>C]TAGGAATCTCATTTCTACTTTATTTTGTTTATAAAAATGAATAAATTTCATTTAGAGTTT-3'